The following is an entry in ClinVar:

ClinVar aggregate classification (germline): Benign/Likely benign. Review status: criteria provided, multiple submitters, no conflicts (2 of 4 stars). 2 submissions from 2 submitters: Benign (1); Likely benign (1). Last evaluated 2026-01-19.

Conditions:
Gorlin syndrome. Also called: Nevoid Basal Cell Carcinoma Syndrome; Basal cell nevus syndrome. Identifiers: Orphanet 377, MedGen C0004779, MONDO:0007187.

Allele frequency attached by ClinVar (database versions not stated): gnomAD 0.00044 and 0.00048; TOPMed 0.00054; ESP Exome Variant Server 0.00100.

Submissions (2):

Labcorp Genetics (formerly Invitae), Labcorp
Classification: Benign for Gorlin syndrome. Last evaluated: 2026-01-19. Review status: criteria provided, single submitter. Criteria: Invitae Variant Classification Sherloc (09022015). Collection method: clinical testing. Allele origin: germline.

GeneDx
Classification: Likely benign. Last evaluated: 2017-07-27. Review status: criteria provided, single submitter. Criteria: GeneDx Variant Classification (06012015). Collection method: clinical testing. Allele origin: germline. Affected: yes.
Comment: This variant is considered likely benign or benign based on one or more of the following criteria: it is a conservative change, it occurs at a poorly conserved position in the protein, it is predicted to be benign by multiple in silico algorithms, and/or has population frequency not consistent with disease.

NM_000264.5(PTCH1):c.3169-17T>A

Gene: PTCH1 (patched 1; minus strand). Cytogenetic location: 9q22.32.
Variant type: single nucleotide variant.
Coding change: c.3169-17T>A on transcript NM_000264.5 (MANE Select); 17 bases into the intron before coding-DNA position 3169, T replaced by A.
Molecular consequence: intron variant.
Genome position (GRCh38, 1-based): chr9:95,456,430, A>T on the plus strand (T>A on the coding strand, the complement: PTCH1 is on the minus strand). VCF-style: chr9-95456430-A-T. GRCh37 (hg19) VCF-style: chr9-98218712-A-T.
Other names: c.3166-17T>A (NM_001083603.3); c.2971-17T>A (NM_001083602.3); c.3013-17T>A (NM_001354918.2); c.2716-17T>A (NM_001083605.3, NM_001083604.3, NM_001083606.3 and 1 more transcripts).
Identifiers: ClinVar variation 387657 (VCV000387657.9), dbSNP rs375034864, ClinGen allele CA5138225.